The following is an entry in ClinVar:

ClinVar aggregate classification (germline): Uncertain significance (1 of 4 stars; one submission).

Conditions:
TTC21B-related disorder. Also called: TTC21B-related condition; TTC21B-related disorders.

gnomAD v4.1: 1 of 1,613,520 alleles (0.000062%); highest among the groups gnomAD compares: African/African-American, 0.0013%; no homozygotes.

Submission:

PreventionGenetics, part of Exact Sciences
Classification: Uncertain significance for TTC21B-related condition. Last evaluated: 2025-03-23. Review status: criteria provided, single submitter. Criteria: ACMG Guidelines, 2015. Collection method: clinical testing. Allele origin: germline.
Comment: The TTC21B c.1702A>G variant is predicted to result in the amino acid substitution p.Ile568Val. To our knowledge, this variant has not been reported in the literature. This variant is reported in 0.011% of alleles in individuals of African descent in gnomAD. At this time, the clinical significance of this variant is uncertain due to the absence of conclusive functional and genetic evidence.

NM_024753.5(TTC21B):c.1702A>G (p.Ile568Val)

Gene: TTC21B (tetratricopeptide repeat domain 21B; minus strand). Cytogenetic location: 2q24.3.
Variant type: single nucleotide variant.
Coding change: c.1702A>G on transcript NM_024753.5 (MANE Select); coding-DNA position 1702, A replaced by G.
Protein change: p.Ile568Val; replaces isoleucine 568 with valine.
Molecular consequence: missense variant.
Genome position (GRCh38, 1-based): chr2:165,917,454, T>C on the plus strand (A>G on the coding strand, the complement: TTC21B is on the minus strand). VCF-style: chr2-165917454-T-C. GRCh37 (hg19) VCF-style: chr2-166773964-T-C.
Other names: short protein forms I568V.
Identifiers: ClinVar variation 4984451 (VCV004984451.1).